The following is an entry in ClinVar:

ClinVar aggregate classification (germline): Uncertain significance. Review status: criteria provided, multiple submitters, no conflicts (2 of 4 stars). 7 submissions from 7 submitters: Uncertain significance (5). 2 of the submissions do not count toward it. Last evaluated 2026-08-25.

Conditions:
Autosomal dominant Alport syndrome (ATS3A). Also called: Alport syndrome dominant type; Renal failure and sensorineural hearing loss; ALPORT SYNDROME 3A, AUTOSOMAL DOMINANT. Identifiers: Orphanet 63, Orphanet 88918, MedGen C5882663, MONDO:0007086, OMIM 104200.
Alport syndrome 3b, autosomal recessive. Identifiers: MedGen C5882699, MONDO:0957811, OMIM 620536.
Hematuria, benign familial, 2 (BFH2). Identifiers: MedGen C5830421, MONDO:0958186, OMIM 620320.
Alport syndrome. Also called: Hemorrhagic familial nephritis; Hemorrhagic hereditary nephritis; Congenital hereditary hematuria. Identifiers: Orphanet 63, MedGen C1567741, MONDO:0018965.
COL4A3-related disorder. Also called: COL4A3-Related Disorders; COL4A3-related condition.

Allele frequency attached by ClinVar (database versions not stated): gnomAD 0.00008 and 0.00009; TOPMed 0.00015.
gnomAD v4.1: 72 of 1,613,750 alleles (0.0045%); highest among the groups gnomAD compares: Admixed American, 0.017%; no homozygotes.

Submissions (7):

GeneDx
Classification: Uncertain significance. Last evaluated: 2026-08-25. Review status: criteria provided, single submitter. Criteria: GeneDx Variant Classification Process June 2021. Collection method: clinical testing. Allele origin: germline.
Comment: Observed in a control group in published literature (PMID: 29924831); In silico analysis suggests that this missense variant does not alter protein structure/function; Occurs in the triple helical domain at the X position in the canonical Gly-X-Y repeat; although this variant may have an effect on normal protein folding and function, missense substitution at the X position is not a common mechanism of disease; This variant is associated with the following publications: (PMID: 29924831)

PreventionGenetics, part of Exact Sciences
Classification: Uncertain significance for COL4A3-related condition. Last evaluated: 2026-06-03. Review status: criteria provided, single submitter. Criteria: ACMG Guidelines, 2015. Collection method: clinical testing. Allele origin: germline.
Comment: The COL4A3 c.3755C>T variant is predicted to result in the amino acid substitution p.Ala1252Val. This variant was reported in a large cohort study of individuals with keratoconus; however, no additional evidence to support pathogenicity was provided (Table S3, Lucas et al. 2018. PubMed ID: 29924831). This variant is reported in 0.015% of alleles in individuals of East Asian descent in gnomAD. At this time, the clinical significance of this variant is uncertain due to the absence of conclusive functional and genetic evidence.

Fulgent Genetics
Classification: Uncertain significance for Autosomal dominant Alport syndrome; Hematuria, benign familial, 2; Alport syndrome 3b, autosomal recessive. Last evaluated: 2024-04-18. Review status: criteria provided, single submitter. Criteria: ACMG Guidelines, 2015. Collection method: clinical testing. Allele origin: germline.

Women's Health and Genetics/Laboratory Corporation of America, LabCorp
Classification: Uncertain significance. Last evaluated: 2022-05-20. Review status: criteria provided, single submitter. Criteria: LabCorp Variant Classification Summary - May 2015. Collection method: clinical testing. Allele origin: germline.
Comment: Variant summary: COL4A3 c.3755C>T (p.Ala1252Val) results in a non-conservative amino acid change in the encoded protein sequence. Four of five in-silico tools predict a benign effect of the variant on protein function. The variant allele was found at a frequency of 4.8e-05 in 249480 control chromosomes. This frequency is not significantly higher than expected for a pathogenic variant in COL4A3 causing Alport Syndrome, Autosomal Recessive (4.8e-05 vs 0.0019), allowing no conclusion about variant significance. To our knowledge, no occurrence of c.3755C>T in individuals affected with Alport Syndrome, Autosomal Recessive and no experimental evidence demonstrating its impact on protein function have been reported. Three clinical diagnostic laboratories have submitted clinical-significance assessments for this variant to ClinVar after 2014 without evidence for independent evaluation. Two submitters classified the variant as VUS while one classified as likely benign. Based on the evidence outlined above, the variant was classified as uncertain significance.

Mayo Clinic Laboratories, Mayo Clinic
Classification: Uncertain significance. Last evaluated: 2021-11-23. Review status: criteria provided, single submitter. Criteria: ACMG Guidelines, 2015. Collection method: clinical testing. Allele origin: germline. Observed: 1 variant allele.
Comment: PM2

Natera, Inc.
Classification: Uncertain significance for Alport syndrome. Last evaluated: 2020-03-06. Review status: no assertion criteria provided. Collection method: clinical testing. Allele origin: germline. Not counted in ClinVar's aggregate classification.

Bioscientia Institut fuer Medizinische Diagnostik GmbH, Sonic Healthcare
Classification: Likely benign for Autosomal dominant Alport syndrome. Last evaluated: 2019-06-03. Review status: no assertion criteria provided. Collection method: clinical testing. Allele origin: germline. Affected: yes. Not counted in ClinVar's aggregate classification.

NM_000091.5(COL4A3):c.3755C>T (p.Ala1252Val)

Genes: COL4A3 (collagen type IV alpha 3 chain; plus strand), MFF-DT (MFF divergent transcript; minus strand). Cytogenetic location: 2q36.3.
Variant type: single nucleotide variant.
Coding change: c.3755C>T on transcript NM_000091.5 (MANE Select); coding-DNA position 3755, C replaced by T.
Protein change: p.Ala1252Val; replaces alanine 1252 with valine.
Molecular consequence: missense variant.
Genome position (GRCh38, 1-based): chr2:227,298,685, C>T. VCF-style: chr2-227298685-C-T. GRCh37 (hg19) VCF-style: chr2-228163401-C-T.
Other names: p.Ala1252Val; short protein forms A1252V.
Identifiers: ClinVar variation 829854 (VCV000829854.13), dbSNP rs761179248, ClinGen allele CA2147343.